The following is an entry in ClinVar:

ClinVar aggregate classification (germline): Uncertain significance (1 of 4 stars; one submission).

Conditions:
Neuroblastoma, susceptibility to, 3. Also called: ALK-Related Neuroblastic Tumor Susceptibility. Identifiers: Orphanet 635, MedGen C2751681, MONDO:0013083, OMIM 613014.

Submissions (2):

Labcorp Genetics (formerly Invitae), Labcorp
Classification: Uncertain significance for Neuroblastoma, susceptibility to, 3. Last evaluated: 2023-11-07. Review status: criteria provided, single submitter. Criteria: Invitae Variant Classification Sherloc (09022015). Collection method: clinical testing. Allele origin: germline.
Comment: This sequence change creates a premature translational stop signal (p.Gln453*) in the ALK gene. It is expected to result in an absent or disrupted protein product. However, the current clinical and genetic evidence is not sufficient to establish whether loss-of-function variants in ALK cause disease. This variant is not present in population databases (gnomAD no frequency). This variant has not been reported in the literature in individuals affected with ALK-related conditions. In summary, the available evidence is currently insufficient to determine the role of this variant in disease. Therefore, it has been classified as a Variant of Uncertain Significance.

Dr. Peter K. Rogan Lab, Western University
No classification provided (evidence only). Condition: Ovarian serous cystadenocarcinoma. Review status: no classification provided. Collection method: in vitro. Allele origin: not applicable. Functional consequence: retained intron. Not counted in ClinVar's aggregate classification.

NM_004304.5(ALK):c.1357C>T (p.Gln453Ter)

Gene: ALK (ALK receptor tyrosine kinase; minus strand). Cytogenetic location: 2p23.2.
Variant type: single nucleotide variant.
Coding change: c.1357C>T on transcript NM_004304.5 (MANE Select); coding-DNA position 1357, C replaced by T.
Protein change: p.Gln453Ter; replaces glutamine 453 with a stop codon.
Molecular consequence: nonsense.
Genome position (GRCh38, 1-based): chr2:29,328,407, G>A on the plus strand (C>T on the coding strand, the complement: ALK is on the minus strand). VCF-style: chr2-29328407-G-A. GRCh37 (hg19) VCF-style: chr2-29551273-G-A.
Other names: short protein forms Q453*.
Identifiers: ClinVar variation 2693976 (VCV002693976.4), dbSNP rs2148258302, ClinGen allele CA346474278.
Genomic context (GRCh38, chr2:29,328,407, plus strand): 5'-CACGGCACATCTGGCTCTCATCTTCTCCCTGGGCACAGTCCTGGTGGAAGTCACAGGCCT[G>A]CCCAAGCTGGAGGACTGTCCCATTCCAACAAGTGAAGGAGCTCTGCAGGGCCATCTTGGA-3'